The following is an entry in ClinVar:

ClinVar aggregate classification (germline): Uncertain significance. Review status: criteria provided, multiple submitters, no conflicts (2 of 4 stars). 2 submissions from 2 submitters: Uncertain significance (2). Last evaluated 2025-08-23.

Allele frequency attached by ClinVar (database versions not stated): 1000 Genomes Project 30x 0.00016; 1000 Genomes Project 0.00020; gnomAD 0.00035; TOPMed 0.00038; ESP Exome Variant Server 0.00031; gnomAD exomes 0.00005; ExAC 0.00008.
gnomAD v4.1: 131 of 1,614,110 alleles (0.0081%); highest among the groups gnomAD compares: African/African-American, 0.14%; 1 homozygote.

Submissions (2):

Labcorp Genetics (formerly Invitae), Labcorp
Classification: Uncertain significance. Last evaluated: 2025-08-23. Review status: criteria provided, single submitter. Criteria: Invitae Variant Classification Sherloc (09022015). Collection method: clinical testing. Allele origin: germline.
Comment: This sequence change replaces methionine, which is neutral and non-polar, with threonine, which is neutral and polar, at codon 391 of the FGB protein (p.Met391Thr). This variant is present in population databases (rs138760475, gnomAD 0.1%). This variant has not been reported in the literature in individuals affected with FGB-related conditions. ClinVar contains an entry for this variant (Variation ID: 2754950). Invitae Evidence Modeling of protein sequence and biophysical properties (such as structural, functional, and spatial information, amino acid conservation, physicochemical variation, residue mobility, and thermodynamic stability) indicates that this missense variant is not expected to disrupt FGB protein function with a negative predictive value of 80%. In summary, the available evidence is currently insufficient to determine the role of this variant in disease. Therefore, it has been classified as a Variant of Uncertain Significance.

Breakthrough Genomics
Classification: Uncertain significance. Review status: criteria provided, single submitter. Criteria: ACMG Guidelines, 2015. Collection method: not provided. Allele origin: germline. Inheritance: Autosomal recessive inheritance. Affected: yes.

NM_005141.5(FGB):c.1172T>C (p.Met391Thr)

Gene: FGB (fibrinogen beta chain; plus strand). Cytogenetic location: 4q31.3.
Variant type: single nucleotide variant.
Coding change: c.1172T>C on transcript NM_005141.5 (MANE Select); coding-DNA position 1172, T replaced by C.
Protein change: p.Met391Thr; replaces methionine 391 with threonine.
Molecular consequence: missense variant. On other transcripts: intron variant (1).
Genome position (GRCh38, 1-based): chr4:154,569,727, T>C. VCF-style: chr4-154569727-T-C. GRCh37 (hg19) VCF-style: chr4-155490879-T-C.
Other names: c.995T>C, p.Met332Thr (NM_001184741.1); c.1040T>C, p.Met347Thr (NM_001382759.1); c.1172T>C, p.Met391Thr (NM_001382760.1, NM_001382761.1, NM_001382765.1); c.872T>C, p.Met291Thr (NM_001382762.1); c.1163T>C, p.Met388Thr (NM_001382763.1); c.1081-46T>C (NM_001382764.1); short protein forms M291T, M388T, M332T, M347T, M391T.
Identifiers: ClinVar variation 2754950 (VCV002754950.4), dbSNP rs138760475, ClinGen allele CA3114733.